The following is an entry in ClinVar:

ClinVar aggregate classification (germline): Uncertain significance. Review status: criteria provided, multiple submitters, no conflicts (2 of 4 stars). 2 submissions from 2 submitters: Uncertain significance (2). Last evaluated 2025-02-28.

gnomAD v4.1: 2 of 1,614,068 alleles (0.00012%); highest among the groups gnomAD compares: Admixed American, 0.0033%; no homozygotes.

Submissions (2):

Women's Health and Genetics/Laboratory Corporation of America, LabCorp
Classification: Uncertain significance. Last evaluated: 2025-02-28. Review status: criteria provided, single submitter. Criteria: LabCorp Variant Classification Summary - May 2015. Collection method: clinical testing. Allele origin: germline.

Labcorp Genetics (formerly Invitae), Labcorp
Classification: Uncertain significance. Last evaluated: 2023-11-27. Review status: criteria provided, single submitter. Criteria: Invitae Variant Classification Sherloc (09022015). Collection method: clinical testing. Allele origin: germline.
Comment: This sequence change falls in intron 7 of the EIF2B3 gene. It does not directly change the encoded amino acid sequence of the EIF2B3 protein. It affects a nucleotide within the consensus splice site. This variant is not present in population databases (gnomAD no frequency). This variant has not been reported in the literature in individuals affected with EIF2B3-related conditions. ClinVar contains an entry for this variant (Variation ID: 2011056). Variants that disrupt the consensus splice site are a relatively common cause of aberrant splicing (PMID: 17576681, 9536098). Algorithms developed to predict the effect of sequence changes on RNA splicing suggest that this variant is not likely to affect RNA splicing. In summary, the available evidence is currently insufficient to determine the role of this variant in disease. Therefore, it has been classified as a Variant of Uncertain Significance.

Literature cited by the submitters: PubMed 17576681 (cited by Labcorp Genetics (formerly Invitae), Labcorp); PubMed 9536098 (cited by Labcorp Genetics (formerly Invitae), Labcorp).

NM_020365.5(EIF2B3):c.784+4A>C

Gene: EIF2B3 (eukaryotic translation initiation factor 2B subunit gamma; minus strand). Cytogenetic location: 1p34.1.
Variant type: single nucleotide variant.
Coding change: c.784+4A>C on transcript NM_020365.5 (MANE Select); 4 bases into the intron after coding-DNA position 784, A replaced by C.
Molecular consequence: intron variant.
Genome position (GRCh38, 1-based): chr1:44,881,608, T>G on the plus strand (A>C on the coding strand, the complement: EIF2B3 is on the minus strand). VCF-style: chr1-44881608-T-G. GRCh37 (hg19) VCF-style: chr1-45347280-T-G.
Other names: c.784+4A>C (NM_001261418.2, NM_001166588.3).
Identifiers: ClinVar variation 2011056 (VCV002011056.4), dbSNP rs2522329076, ClinGen allele CA2580062874.